The following is an entry in ClinVar:

ClinVar aggregate classification (germline): Conflicting classifications of pathogenicity. Review status: criteria provided, conflicting classifications (1 of 4 stars). 2 submissions from 2 submitters: Likely pathogenic (1); Uncertain significance (1). Last evaluated 2025-12-19.

Conditions:
Hypotrichosis 8 (HYPT8). Also called: HYPOTRICHOSIS, LOCALIZED, AUTOSOMAL RECESSIVE 3. Identifiers: Orphanet 55654, MedGen C3279470, MONDO:0010206, OMIM 278150.

gnomAD v4.1: 22 of 1,609,412 alleles (0.0014%); highest among the groups gnomAD compares: Middle Eastern, 0.016%; no homozygotes.

Submissions (2):

Dasa
Classification: Uncertain significance. Last evaluated: 2025-12-19. Review status: criteria provided, single submitter. Criteria: DASA Assertion Criteria. Collection method: clinical testing. Allele origin: germline.
Comment: NM_001162498.3(LPAR6):c.736A>G (p.Asn246Asp) is a missense variant that results in the substitution of asparagine with aspartic acid. This variant has been reported in individuals with LPAR6-related disorders (PMID: 29346610). Also, this variant is rare in population databases. The currently available literature and clinical evidence are not sufficient to establish a definitive association between this variant and the reported condition. Therefore, this variant is classified as a variant of uncertain significance.

Women's Health and Genetics/Laboratory Corporation of America, LabCorp
Classification: Likely pathogenic for Hypotrichosis 8. Last evaluated: 2024-12-27. Review status: criteria provided, single submitter. Criteria: LabCorp Variant Classification Summary - May 2015. Collection method: clinical testing. Allele origin: germline.
Comment: Variant summary: LPAR6 c.736A>G (p.Asn246Asp) results in a conservative amino acid change in the encoded protein sequence. Three of five in-silico tools predict a damaging effect of the variant on protein function. The variant allele was found at a frequency of 2.8e-05 in 249536 control chromosomes (gnomAD). c.736A>G has been reported in the literature in individuals affected with Hypotrichosis 8 (Kurban_2010, Piquer-Garca_2021). These data indicate that the variant is likely to be associated with disease. At least one publication reports experimental evidence evaluating an impact on protein function, finding that the variant results in 10%-<30% of normal cell surface expression (Yanagida_2023). The following publications have been ascertained in the context of this evaluation (PMID: 34582790, 33017051, 19944572, 36173926). No submitters have cited clinical-significance assessments for this variant to ClinVar. Based on the evidence outlined above, the variant was classified as likely pathogenic.

Literature cited by the submitters: PubMed 29346610 (cited by Dasa); PubMed 34582790 (cited by Women's Health and Genetics/Laboratory Corporation of America, LabCorp); PubMed 36173926 (cited by Women's Health and Genetics/Laboratory Corporation of America, LabCorp); PubMed 19944572 (cited by Women's Health and Genetics/Laboratory Corporation of America, LabCorp); PubMed 33017051 (cited by Women's Health and Genetics/Laboratory Corporation of America, LabCorp).

NM_001162498.3(LPAR6):c.736A>G (p.Asn246Asp)

Genes: LPAR6 (lysophosphatidic acid receptor 6; minus strand), RB1 (RB transcriptional corepressor 1; plus strand). Cytogenetic location: 13q14.2.
Variant type: single nucleotide variant.
Coding change: c.736A>G on transcript NM_001162498.3 (MANE Select); coding-DNA position 736, A replaced by G.
Protein change: p.Asn246Asp; replaces asparagine 246 with aspartic acid.
Molecular consequence: missense variant. On other transcripts: intron variant (2).
Genome position (GRCh38, 1-based): chr13:48,411,688, T>C on the plus strand (A>G on the coding strand, the complement: LPAR6 is on the minus strand). VCF-style: chr13-48411688-T-C. GRCh37 (hg19) VCF-style: chr13-48985824-T-C.
Other names: c.736A>G, p.Asn246Asp (NM_001162497.3, NM_001377316.2, NM_001377317.2 and 1 more transcripts); c.1695+30245T>C (NM_001407165.1, NM_000321.3); short protein forms N246D.
Identifiers: ClinVar variation 3768194 (VCV003768194.3).
Genomic context (GRCh38, chr13:48,411,688, plus strand): 5'-CTACTGAGCAATTAACAAATGTTTGTGTTCTCACAAGAGAATATAAAATAAGATTGATAT[T>C]GTAAGGAACAAAACAGAAACAGAATATGATCAAATGTACAAAAATCATTTTTAAAACCTT-3'
Protein context (NP_001155970.1, residues 236-256): IIFCFCFVPY[Asn246Asp]INLILYSLVR